The following is an entry in ClinVar:

NM_004006.3(DMD):c.2107C>A (p.Leu703Ile)

Gene: DMD (dystrophin; minus strand). Cytogenetic location: Xp21.1.
Variant type: single nucleotide variant.
Coding change: c.2107C>A on transcript NM_004006.3 (MANE Select); coding-DNA position 2107, C replaced by A.
Protein change: p.Leu703Ile; replaces leucine 703 with isoleucine.
Molecular consequence: missense variant.
Genome position (GRCh38, 1-based): chrX:32,545,220, G>T on the plus strand (C>A on the coding strand, the complement: DMD is on the minus strand). VCF-style: chrX-32545220-G-T. GRCh37 (hg19) VCF-style: chrX-32563337-G-T.
Other names: c.2083C>A, p.Leu695Ile (NM_000109.4); c.2095C>A, p.Leu699Ile (NM_004009.3); c.1738C>A, p.Leu580Ile (NM_004010.3); short protein forms L695I, L699I, L580I, L703I.
Identifiers: ClinVar variation 2906525 (VCV002906525.3), dbSNP rs745972280, ClinGen allele CA10379639.

ClinVar aggregate classification (germline): Uncertain significance (1 of 4 stars; one submission).

Conditions:
Duchenne muscular dystrophy (DMD). Also called: MUSCULAR DYSTROPHY, PSEUDOHYPERTROPHIC PROGRESSIVE, DUCHENNE TYPE; Duchenne Muscular Dystrophy (DMD). Identifiers: Orphanet 98896, MedGen C0013264, MONDO:0010679, OMIM 310200.

Allele frequency attached by ClinVar (database versions not stated): ExAC 0.00001; gnomAD 0.00001; TOPMed 0.00001.
gnomAD v4.1: 2 of 1,208,966 alleles (0.00017%); highest among the groups gnomAD compares: Non-Finnish European, 0.00022%; no homozygotes.

Submission:

Labcorp Genetics (formerly Invitae), Labcorp
Classification: Uncertain significance for Duchenne muscular dystrophy. Last evaluated: 2023-06-25. Review status: criteria provided, single submitter. Criteria: Invitae Variant Classification Sherloc (09022015). Collection method: clinical testing. Allele origin: germline.
Comment: Advanced modeling of protein sequence and biophysical properties (such as structural, functional, and spatial information, amino acid conservation, physicochemical variation, residue mobility, and thermodynamic stability) performed at Invitae indicates that this missense variant is not expected to disrupt DMD protein function. This variant has not been reported in the literature in individuals affected with DMD-related conditions. This variant is present in population databases (rs745972280, gnomAD 0.001%). This sequence change replaces leucine, which is neutral and non-polar, with isoleucine, which is neutral and non-polar, at codon 703 of the DMD protein (p.Leu703Ile). In summary, the available evidence is currently insufficient to determine the role of this variant in disease. Therefore, it has been classified as a Variant of Uncertain Significance.